The following is an entry in ClinVar:

NM_006231.4(POLE):c.5896G>A (p.Glu1966Lys)

Gene: POLE (DNA polymerase epsilon, catalytic subunit; minus strand). Cytogenetic location: 12q24.33.
Variant type: single nucleotide variant.
Coding change: c.5896G>A on transcript NM_006231.4 (MANE Select); coding-DNA position 5896, G replaced by A.
Protein change: p.Glu1966Lys; replaces glutamic acid 1966 with lysine.
Molecular consequence: missense variant.
Genome position (GRCh38, 1-based): chr12:132,634,294, C>T on the plus strand (G>A on the coding strand, the complement: POLE is on the minus strand). VCF-style: chr12-132634294-C-T. GRCh37 (hg19) VCF-style: chr12-133210880-C-T.
Other names: short protein forms E1966K.
Identifiers: ClinVar variation 1750338 (VCV001750338.5), dbSNP rs2541860058, ClinGen allele CA387371643.

ClinVar aggregate classification (germline): Uncertain significance. Review status: criteria provided, multiple submitters, no conflicts (2 of 4 stars). 2 submissions from 2 submitters: Uncertain significance (2). Last evaluated 2024-04-05.

Conditions:
Hereditary cancer-predisposing syndrome. Also called: Hereditary Cancer Syndrome; Hereditary neoplastic syndrome; Neoplastic Syndromes, Hereditary; Tumor predisposition. Identifiers: Orphanet 140162, MedGen C0027672, MeSH D009386, MONDO:0015356.

Submissions (2):

Labcorp Genetics (formerly Invitae), Labcorp
Classification: Uncertain significance. Last evaluated: 2024-04-05. Review status: criteria provided, single submitter. Criteria: Invitae Variant Classification Sherloc (09022015). Collection method: clinical testing. Allele origin: germline.
Comment: This sequence change replaces glutamic acid, which is acidic and polar, with lysine, which is basic and polar, at codon 1966 of the POLE protein (p.Glu1966Lys). This variant is not present in population databases (gnomAD no frequency). This variant has not been reported in the literature in individuals affected with POLE-related conditions. ClinVar contains an entry for this variant (Variation ID: 1750338). An algorithm developed to predict the effect of missense changes on protein structure and function (PolyPhen-2) suggests that this variant is likely to be tolerated. In summary, the available evidence is currently insufficient to determine the role of this variant in disease. Therefore, it has been classified as a Variant of Uncertain Significance.

Ambry Genetics
Classification: Uncertain significance for Hereditary cancer-predisposing syndrome. Last evaluated: 2022-01-26. Review status: criteria provided, single submitter. Criteria: Ambry Variant Classification Scheme 2023. Collection method: clinical testing. Allele origin: germline.
Comment: The p.E1966K variant (also known as c.5896G>A), located in coding exon 43 of the POLE gene, results from a G to A substitution at nucleotide position 5896. The glutamic acid at codon 1966 is replaced by lysine, an amino acid with similar properties. This amino acid position is conserved. In addition, this alteration is predicted to be tolerated by in silico analysis. Since supporting evidence is limited at this time, the clinical significance of this alteration remains unclear.